The following is an entry in ClinVar:

ClinVar aggregate classification (germline): Uncertain significance (1 of 4 stars; one submission).

Allele frequency attached by ClinVar (database versions not stated): ExAC 0.00001; gnomAD 0.00003; 1000 Genomes Project 30x 0.00016; 1000 Genomes Project 0.00020.
gnomAD v4.1: 7 of 1,612,920 alleles (0.00043%); highest among the groups gnomAD compares: South Asian, 0.0077%; no homozygotes.

Submission:

Labcorp Genetics (formerly Invitae), Labcorp
Classification: Uncertain significance. Last evaluated: 2022-02-14. Review status: criteria provided, single submitter. Criteria: Invitae Variant Classification Sherloc (09022015). Collection method: clinical testing. Allele origin: germline.
Comment: This sequence change replaces phenylalanine, which is neutral and non-polar, with leucine, which is neutral and non-polar, at codon 729 of the SLC7A14 protein (p.Phe729Leu). This variant is present in population databases (rs559867579, gnomAD 0.006%). This variant has not been reported in the literature in individuals affected with SLC7A14-related conditions. Algorithms developed to predict the effect of missense changes on protein structure and function (SIFT, PolyPhen-2, Align-GVGD) all suggest that this variant is likely to be tolerated. In summary, the available evidence is currently insufficient to determine the role of this variant in disease. Therefore, it has been classified as a Variant of Uncertain Significance.

NM_020949.3(SLC7A14):c.2187C>G (p.Phe729Leu)

Gene: SLC7A14 (solute carrier family 7 member 14; minus strand). Cytogenetic location: 3q26.2.
Variant type: single nucleotide variant.
Coding change: c.2187C>G on transcript NM_020949.3 (MANE Select); coding-DNA position 2187, C replaced by G.
Protein change: p.Phe729Leu; replaces phenylalanine 729 with leucine.
Molecular consequence: missense variant.
Genome position (GRCh38, 1-based): chr3:170,467,184, G>C on the plus strand (C>G on the coding strand, the complement: SLC7A14 is on the minus strand). VCF-style: chr3-170467184-G-C. GRCh37 (hg19) VCF-style: chr3-170184972-G-C.
Other names: short protein forms F729L.
Identifiers: ClinVar variation 2097664 (VCV002097664.4), dbSNP rs559867579, ClinGen allele CA2701485.